The following is an entry in ClinVar:

NC_000001.10:g.(?_12016954)_(12018724_?)dup

Gene: PLOD1 (procollagen-lysine,2-oxoglutarate 5-dioxygenase 1; plus strand). Cytogenetic location: 1p36.22.
Variant type: Duplication.
Identifiers: ClinVar variation 3247672 (VCV003247672.1).

ClinVar aggregate classification (germline): Likely pathogenic (1 of 4 stars; one submission).

Conditions:
Ehlers-Danlos syndrome, kyphoscoliotic type 1 (EDSKSCL1). Also called: EHLERS-DANLOS SYNDROME, TYPE VIA; Ehlers-Danlos syndrome, hydroxylysine-deficient; EHLERS-DANLOS SYNDROME, OCULAR-SCOLIOTIC TYPE; PLOD1-Related Kyphoscoliotic Ehlers-Danlos Syndrome. Identifiers: Orphanet 1900, MedGen C0268342, MONDO:0016002, OMIM 225400. Disease mechanism: loss of function.

Submission:

Labcorp Genetics (formerly Invitae), Labcorp
Classification: Likely pathogenic for Ehlers-Danlos syndrome, kyphoscoliotic type 1. Last evaluated: 2024-01-15. Review status: criteria provided, single submitter. Criteria: Invitae Variant Classification Sherloc (09022015). Collection method: clinical testing. Allele origin: unknown.
Comment: This variant results in a copy number gain of the genomic region encompassing exon(s) 7-9 of the PLOD1 gene. While the exact position of this variant cannot be determined from the data, sub-genic copy number gains are generally in tandem (PMID: 25640679). This variant is predicted to be out-of-frame, and may result in an absent or disrupted protein product. Loss-of-function variants in PLOD1 are known to be pathogenic (PMID: 10874315, 21699693). This variant has not been reported in the literature in individuals affected with PLOD1-related conditions. In summary, the currently available evidence indicates that the variant is pathogenic, but additional data are needed to prove that conclusively. Therefore, this variant has been classified as Likely Pathogenic.

Literature cited by the submitters: PubMed 25640679; PubMed 10874315; PubMed 21699693.